The following is an entry in ClinVar:

ClinVar aggregate classification (germline): Uncertain significance (1 of 4 stars; one submission).

Allele frequency attached by ClinVar (database versions not stated): gnomAD exomes below 0.00001; gnomAD 0.00001; TOPMed 0.00002.

Submission:

Labcorp Genetics (formerly Invitae), Labcorp
Classification: Uncertain significance. Last evaluated: 2022-05-16. Review status: criteria provided, single submitter. Criteria: Invitae Variant Classification Sherloc (09022015). Collection method: clinical testing. Allele origin: germline.
Comment: In summary, the available evidence is currently insufficient to determine the role of this variant in disease. Therefore, it has been classified as a Variant of Uncertain Significance. Algorithms developed to predict the effect of missense changes on protein structure and function (SIFT, PolyPhen-2, Align-GVGD) all suggest that this variant is likely to be tolerated. This variant has not been reported in the literature in individuals affected with CNTNAP1-related conditions. This variant is present in population databases (rs758354832, gnomAD 0.009%). This sequence change replaces leucine, which is neutral and non-polar, with valine, which is neutral and non-polar, at codon 356 of the CNTNAP1 protein (p.Leu356Val).

NM_003632.3(CNTNAP1):c.1066C>G (p.Leu356Val)

Gene: CNTNAP1 (contactin associated protein 1; plus strand). Cytogenetic location: 17q21.2.
Variant type: single nucleotide variant.
Coding change: c.1066C>G on transcript NM_003632.3 (MANE Select); coding-DNA position 1066, C replaced by G.
Protein change: p.Leu356Val; replaces leucine 356 with valine.
Molecular consequence: missense variant.
Genome position (GRCh38, 1-based): chr17:42,687,741, C>G. VCF-style: chr17-42687741-C-G. GRCh37 (hg19) VCF-style: chr17-40839759-C-G.
Other names: short protein forms L356V.
Identifiers: ClinVar variation 2413662 (VCV002413662.5), dbSNP rs758354832, ClinGen allele CA290793005.
Genomic context (GRCh38, chr17:42,687,741, plus strand): 5'-GGCTCACGGGTGTTGATGCGTCTTCACTTTTGCCCCTAGGGTAAGGTGGCTTTTCGTTGC[C>G]TGGACCCGGTACCGCACCCTATCAACTTCGGAGGCCCTCACAACTTCGTTCAAGTGCCCG-3'
Protein context (NP_003623.1, residues 346-366): TFEGKVAFRC[Leu356Val]DPVPHPINFG